The following is an entry in ClinVar:

NM_000553.6(WRN):c.1697A>T (p.Asp566Val)

Gene: WRN (WRN RecQ like helicase; plus strand). Cytogenetic location: 8p12.
Variant type: single nucleotide variant.
Coding change: c.1697A>T on transcript NM_000553.6 (MANE Select); coding-DNA position 1697, A replaced by T.
Protein change: p.Asp566Val; replaces aspartic acid 566 with valine.
Molecular consequence: missense variant.
Genome position (GRCh38, 1-based): chr8:31,090,509, A>T. VCF-style: chr8-31090509-A-T. GRCh37 (hg19) VCF-style: chr8-30948025-A-T.
Other names: short protein forms D566V.
Identifiers: ClinVar variation 1409307 (VCV001409307.3), dbSNP rs758649710, ClinGen allele CA4704448.

ClinVar aggregate classification (germline): Uncertain significance (1 of 4 stars; one submission).

Conditions:
Werner syndrome (WRN). Identifiers: Orphanet 902, MedGen C0043119, MONDO:0010196, OMIM 277700.

Allele frequency attached by ClinVar (database versions not stated): ExAC 0.00002; gnomAD exomes 0.00002.
gnomAD v4.1: 7 of 1,612,400 alleles (0.00043%); highest among the groups gnomAD compares: South Asian, 0.0077%; no homozygotes.

Submission:

Labcorp Genetics (formerly Invitae), Labcorp
Classification: Uncertain significance for Werner syndrome. Last evaluated: 2021-08-09. Review status: criteria provided, single submitter. Criteria: Invitae Variant Classification Sherloc (09022015). Collection method: clinical testing. Allele origin: germline.
Comment: This sequence change replaces aspartic acid with valine at codon 566 of the WRN protein (p.Asp566Val). The aspartic acid residue is highly conserved and there is a large physicochemical difference between aspartic acid and valine. This variant is present in population databases (rs758649710, ExAC 0.01%). This variant has not been reported in the literature in individuals affected with WRN-related conditions. Algorithms developed to predict the effect of missense changes on protein structure and function are either unavailable or do not agree on the potential impact of this missense change (SIFT: "Not Available"; PolyPhen-2: "Probably Damaging"; Align-GVGD: "Not Available"). In summary, the available evidence is currently insufficient to determine the role of this variant in disease. Therefore, it has been classified as a Variant of Uncertain Significance.